The following is an entry in ClinVar:

ClinVar aggregate classification (germline): Pathogenic/Likely pathogenic. Review status: criteria provided, multiple submitters, no conflicts (2 of 4 stars). 2 submissions from 2 submitters: Pathogenic (1); Likely pathogenic (1). Last evaluated 2026-01-23.

Conditions:
CPLANE1-related disorder. Also called: CPLANE1-related condition.

Submissions (2):

PreventionGenetics, part of Exact Sciences
Classification: Likely pathogenic for CPLANE1-related condition. Last evaluated: 2026-01-23. Review status: criteria provided, single submitter. Criteria: ACMG Guidelines, 2015. Collection method: clinical testing. Allele origin: germline.
Comment: The CPLANE1 c.8543_8544insCT variant is predicted to result in a frameshift and premature protein termination (p.Ala2849Leufs*9). To our knowledge, this variant has not been reported in individuals with CPLANE1-related disease. This variant is reported in 0.012% of alleles in individuals of African descent in gnomAD. Frameshift variants in CPLANE1 are expected to be pathogenic. This variant is interpreted as likely pathogenic.

Labcorp Genetics (formerly Invitae), Labcorp
Classification: Pathogenic. Last evaluated: 2024-09-04. Review status: criteria provided, single submitter. Criteria: Invitae Variant Classification Sherloc (09022015). Collection method: clinical testing. Allele origin: germline.
Comment: This sequence change creates a premature translational stop signal (p.Ala2849Leufs*9) in the CPLANE1 gene. It is expected to result in an absent or disrupted protein product. Loss-of-function variants in CPLANE1 are known to be pathogenic (PMID: 24178751, 26092869). This variant is present in population databases (rs775070640, gnomAD 0.01%). This variant has not been reported in the literature in individuals affected with CPLANE1-related conditions. Algorithms developed to predict the effect of sequence changes on RNA splicing suggest that this variant may create or strengthen a splice site. For these reasons, this variant has been classified as Pathogenic.

Literature cited by the submitters: PubMed 24178751 (cited by Labcorp Genetics (formerly Invitae), Labcorp); PubMed 26092869 (cited by Labcorp Genetics (formerly Invitae), Labcorp).

NM_001384732.1(CPLANE1):c.8705_8706insCT (p.Ala2903fs)

Gene: CPLANE1 (ciliogenesis and planar polarity effector complex subunit 1; minus strand). Cytogenetic location: 5p13.2.
Variant type: Insertion.
Coding change: c.8705_8706insCT on transcript NM_001384732.1 (MANE Select); coding-DNA positions 8705 to 8706, CT inserted.
Protein change: p.Ala2903fs; shifts the reading frame from alanine 2903.
Molecular consequence: frameshift variant.
Genome position: GRCh38 VCF-style: chr5-37138806-A-AAG. GRCh37 (hg19) VCF-style: chr5-37138908-A-AAG.
Other names: c.8543_8544insCT, p.Ala2849fs (NM_023073.4); c.8543_8544insCT (NM_023073.3); short protein forms A2849fs, A2903fs.
Identifiers: ClinVar variation 3701497 (VCV003701497.3).
Genomic context (GRCh38, chr5:37,138,806, plus strand): 5'-TAAGCCAAGTTCTTCACTGGAAACTCCGTCTTTAATTATAAGGTCATCAATAATGTCTGC[A>AAG]ATATCAGTCAATCCAGTCATCTGGAGCGGATGTACTGAAACACTTCATTTGCAAATGTAA-3'